The following is an entry in ClinVar:

ClinVar aggregate classification (somatic clinical impact): Tier I - Strong (1 of 4 stars; one submission).

Conditions:
Medulloblastoma (MDB). Also called: MEDULLOBLASTOMA PREDISPOSITION SYNDROME; Medulloblastoma, somatic. Identifiers: Orphanet 616, MedGen C0025149, MeSH D008527, MONDO:0007959, OMIM 155255, HP:0002885.

Submission:

Institute for Genomic Medicine (IGM) Clinical Laboratory, Nationwide Children's Hospital
Classification: Tier I - Strong for Medulloblastoma. Assertion type: diagnostic. Clinical significance: supports diagnosis. Last evaluated: 2022-10-13. Review status: criteria provided, single submitter. Criteria: AMP/ASCO/CAP Guidelines, 2017. Collection method: clinical testing. Allele origin: somatic. Affected: yes.
Comment: Variant has Tier I (strong) clinical significance as a diagnostic inclusion criterion in medulloblastoma, based on the following evidence: 1) Appears in one or more well-established professional guidelines (e.g., World Health Organization [WHO]; National Comprehensive Cancer Network [NCCN]) as providing diagnostic, prognostic, or therapeutic information. 2) Diagnostic for a specific tumor type/classification based on well-powered studies with expert-level consensus (Evidence Level B; PMIDs: 22832583, 22722829, 28726821, 22820256).

Literature cited by the submitters: PubMed 22832583; PubMed 22722829; PubMed 28726821; PubMed 22820256.

NM_001356.5(DDX3X):c.1245C>G (p.Ile415Met)

Gene: DDX3X (DEAD-box helicase 3 X-linked; plus strand). Cytogenetic location: Xp11.4.
Variant type: single nucleotide variant.
Coding change: c.1245C>G on transcript NM_001356.5 (MANE Select); coding-DNA position 1245, C replaced by G.
Protein change: p.Ile415Met; replaces isoleucine 415 with methionine.
Molecular consequence: missense variant. On other transcripts: non-coding transcript variant (1).
Genome position (GRCh38, 1-based): chrX:41,345,478, C>G. VCF-style: chrX-41345478-C-G. GRCh37 (hg19) VCF-style: chrX-41204731-C-G.
Other names: c.1245C>G, p.Ile415Met (NM_001193416.3); c.1197C>G, p.Ile399Met (NM_001193417.3); c.687C>G, p.Ile229Met (NM_001363819.1); short protein forms I229M, I399M, I415M.
Identifiers: ClinVar variation 4530063 (VCV004530063.1).